The following is an entry in ClinVar:

NM_000360.4(TH):c.672C>G (p.Tyr224Ter)

Gene: TH (tyrosine hydroxylase; minus strand). Cytogenetic location: 11p15.5.
Variant type: single nucleotide variant.
Coding change: c.672C>G on transcript NM_000360.4 (MANE Select); coding-DNA position 672, C replaced by G.
Protein change: p.Tyr224Ter; replaces tyrosine 224 with a stop codon.
Molecular consequence: nonsense.
Genome position (GRCh38, 1-based): chr11:2,167,458, G>C on the plus strand (C>G on the coding strand, the complement: TH is on the minus strand). VCF-style: chr11-2167458-G-C. GRCh37 (hg19) VCF-style: chr11-2188688-G-C.
Other names: c.765C>G, p.Tyr255Ter (NM_199292.3); c.753C>G, p.Tyr251Ter (NM_199293.3); short protein forms Y224*, Y255*, Y251*.
Identifiers: ClinVar variation 521707 (VCV000521707.9), dbSNP rs1554923218, ClinGen allele CA379127410.

ClinVar aggregate classification (germline): Pathogenic. Review status: criteria provided, multiple submitters, no conflicts (2 of 4 stars). 2 submissions from 2 submitters: Pathogenic (2). Last evaluated 2021-08-13.

Conditions:
TH-deficient dopa-responsive dystonia. Also called: DYT-TH; Tyrosine Hydroxylase-Deficient Dopa-Responsive Dystonia; Segawa syndrome, autosomal recessive. Identifiers: Orphanet 101150, MedGen C2673535, MONDO:0011551, OMIM 605407.
Inborn genetic diseases. Identifiers: MedGen C0950123, MeSH D030342.

Submissions (2):

Labcorp Genetics (formerly Invitae), Labcorp
Classification: Pathogenic for TH-deficient dopa-responsive dystonia. Last evaluated: 2021-08-13. Review status: criteria provided, single submitter. Criteria: Invitae Variant Classification Sherloc (09022015). Collection method: clinical testing. Allele origin: germline.
Comment: This sequence change creates a premature translational stop signal (p.Tyr255*) in the TH gene. It is expected to result in an absent or disrupted protein product. Loss-of-function variants in TH are known to be pathogenic (PMID: 22264700, 24753243). For these reasons, this variant has been classified as Pathogenic. Algorithms developed to predict the effect of sequence changes on RNA splicing suggest that this variant may create or strengthen a splice site. ClinVar contains an entry for this variant (Variation ID: 521707). This variant has not been reported in the literature in individuals affected with TH-related conditions. This variant is not present in population databases (ExAC no frequency).

Ambry Genetics
Classification: Pathogenic for Inborn genetic diseases. Last evaluated: 2017-04-11. Review status: criteria provided, single submitter. Criteria: Ambry exome assertion method (8-5-2015). Collection method: clinical testing. Allele origin: germline. Affected: yes. Observed: 1 variant allele.

Literature cited by the submitters: PubMed 22264700 (cited by Labcorp Genetics (formerly Invitae), Labcorp); PubMed 24753243 (cited by Labcorp Genetics (formerly Invitae), Labcorp).